The following is an entry in ClinVar:

ClinVar aggregate classification (germline): Uncertain significance (1 of 4 stars; one submission).

Conditions:
Meckel syndrome, type 11 (MKS11). Identifiers: Orphanet 564, MedGen C3809352, MONDO:0014164, OMIM 615397.

Submission:

Baylor Genetics
Classification: Uncertain significance for Meckel syndrome, type 11. Last evaluated: 2019-09-06. Review status: criteria provided, single submitter. Criteria: ACMG Guidelines, 2015. Collection method: clinical testing. Allele origin: unknown. Affected: yes.
Comment: This variant was determined to be of uncertain significance according to ACMG Guidelines, 2015 [PMID:25741868].

NM_001077418.3(TMEM231):c.771-5_771-2delinsTGTC

Gene: TMEM231 (transmembrane protein 231; minus strand). Cytogenetic location: 16q23.1.
Variant type: Indel.
Coding change: c.771-5_771-2delinsTGTC on transcript NM_001077418.3 (MANE Select); 5 bases into the intron before coding-DNA position 771 through the canonical splice acceptor site of the intron before coding-DNA position 771, CATA replaced by TGTC.
Molecular consequence: splice acceptor variant.
Genome position (GRCh38, 1-based): chr16:75,540,176-75,540,179, TATG replaced by GACA on the plus strand (CATA replaced by TGTC on the coding strand, the reverse complement: TMEM231 is on the minus strand). VCF-style: chr16-75540176-TATG-GACA. GRCh37 (hg19) VCF-style: chr16-75574074-TATG-GACA.
Other names: c.930-5_930-2delinsTGTC (NM_001077416.2).
Identifiers: ClinVar variation 1028505 (VCV001028505.1), dbSNP rs2080606129, ClinGen allele CA2233413769.